The following is an entry in ClinVar:

ClinVar aggregate classification (germline): Likely benign (0 of 4 stars; one submission).

Conditions:
SLC39A5-related disorder. Also called: SLC39A5-related condition.

Allele frequency attached by ClinVar (database versions not stated): 1000 Genomes Project 30x 0.00016; 1000 Genomes Project 0.00020; ESP Exome Variant Server 0.00031.
gnomAD v4.1: 785 of 1,576,876 alleles (0.05%); highest among the groups gnomAD compares: Non-Finnish European, 0.065%; 1 homozygote.

Submission:

PreventionGenetics, part of Exact Sciences
Classification: Likely benign for SLC39A5-related condition. Last evaluated: 2019-05-01. Review status: no assertion criteria provided. Collection method: clinical testing. Allele origin: germline.
Comment: This variant is classified as likely benign based on ACMG/AMP sequence variant interpretation guidelines (Richards et al. 2015 PMID: 25741868, with internal and published modifications).

NM_173596.3(SLC39A5):c.1605C>T (p.Pro535=)

Gene: SLC39A5 (solute carrier family 39 member 5; plus strand). Cytogenetic location: 12q13.3.
Variant type: single nucleotide variant.
Coding change: c.1605C>T on transcript NM_173596.3 (MANE Select); coding-DNA position 1605, C replaced by T.
Protein change: p.Pro535=; no amino-acid change (proline 535 retained).
Molecular consequence: synonymous variant.
Genome position (GRCh38, 1-based): chr12:56,237,713, C>T. VCF-style: chr12-56237713-C-T. GRCh37 (hg19) VCF-style: chr12-56631497-C-T.
Other names: c.1605C>T, p.Pro535= (NM_001135195.2).
Identifiers: ClinVar variation 3038205 (VCV003038205.2), dbSNP rs150715610, ClinGen allele CA6627492.